The following is an entry in ClinVar:

ClinVar aggregate classification (germline): Uncertain significance (1 of 4 stars; one submission).

Conditions:
Cohen syndrome (COH1). Also called: Cutis verticis gyrata, retinitis pigmentosa, and sensorineural deafness; PEPPER SYNDROME. Identifiers: Orphanet 193, MedGen C0265223, MONDO:0008999, OMIM 216550.

Allele frequency attached by ClinVar (database versions not stated): gnomAD exomes below 0.00001.
gnomAD v4.1: 1 of 1,613,820 alleles (0.000062%); highest among the groups gnomAD compares: Non-Finnish European, 0.000085%; no homozygotes.

Submission:

Labcorp Genetics (formerly Invitae), Labcorp
Classification: Uncertain significance for Cohen syndrome. Last evaluated: 2022-04-21. Review status: criteria provided, single submitter. Criteria: Invitae Variant Classification Sherloc (09022015). Collection method: clinical testing. Allele origin: germline.
Comment: This sequence change replaces phenylalanine, which is neutral and non-polar, with leucine, which is neutral and non-polar, at codon 657 of the VPS13B protein (p.Phe657Leu). This variant is not present in population databases (gnomAD no frequency). This variant has not been reported in the literature in individuals affected with VPS13B-related conditions. Algorithms developed to predict the effect of missense changes on protein structure and function are either unavailable or do not agree on the potential impact of this missense change (SIFT: "Not Available"; PolyPhen-2: "Possibly Damaging"; Align-GVGD: "Not Available"). In summary, the available evidence is currently insufficient to determine the role of this variant in disease. Therefore, it has been classified as a Variant of Uncertain Significance.

NM_152564.5(VPS13B):c.1969T>C (p.Phe657Leu)

Gene: VPS13B (vacuolar protein sorting 13 homolog B; plus strand). Cytogenetic location: 8q22.2.
Variant type: single nucleotide variant.
Coding change: c.1969T>C on transcript NM_152564.5 (MANE Select); coding-DNA position 1969, T replaced by C.
Protein change: p.Phe657Leu; replaces phenylalanine 657 with leucine.
Molecular consequence: missense variant.
Genome position (GRCh38, 1-based): chr8:99,147,966, T>C. VCF-style: chr8-99147966-T-C. GRCh37 (hg19) VCF-style: chr8-100160194-T-C.
Other names: c.1969T>C, p.Phe657Leu (NM_015243.3, NM_017890.5); short protein forms F657L.
Identifiers: ClinVar variation 2129003 (VCV002129003.1), dbSNP rs2488803652, ClinGen allele CA371864492.